The following is an entry in ClinVar:

ClinVar aggregate classification (germline): Likely benign (1 of 4 stars; one submission).

Allele frequency attached by ClinVar (database versions not stated): ExAC 0.00002; gnomAD exomes 0.00004; gnomAD 0.00005.

Submission:

CeGaT Center for Human Genetics Tuebingen
Classification: Likely benign. Last evaluated: 2023-01-01. Review status: criteria provided, single submitter. Criteria: CeGaT Center For Human Genetics Tuebingen Variant Classification Criteria Version 2. Collection method: clinical testing. Allele origin: germline. Affected: yes. Observed: 1 variant allele.
Comment: HNRNPCL1: BP4, BP7

NM_001013631.3(HNRNPCL1):c.708G>A (p.Val236=)

Gene: HNRNPCL1 (heterogeneous nuclear ribonucleoprotein C like 1; minus strand). Cytogenetic location: 1p36.21.
Variant type: single nucleotide variant.
Coding change: c.708G>A on transcript NM_001013631.3 (MANE Select); coding-DNA position 708, G replaced by A.
Protein change: p.Val236=; no amino-acid change (valine 236 retained).
Molecular consequence: synonymous variant.
Genome position (GRCh38, 1-based): chr1:12,847,582, C>T on the plus strand (G>A on the coding strand, the complement: HNRNPCL1 is on the minus strand). VCF-style: chr1-12847582-C-T. GRCh37 (hg19) VCF-style: chr1-12907435-C-T.
Identifiers: ClinVar variation 2638264 (VCV002638264.24), dbSNP rs2076062, ClinGen allele CA607510.